The following is an entry in ClinVar:

NM_001182.5(ALDH7A1):c.316C>A (p.Pro106Thr)

Gene: ALDH7A1 (aldehyde dehydrogenase 7 family member A1; minus strand). Cytogenetic location: 5q23.2.
Variant type: single nucleotide variant.
Coding change: c.316C>A on transcript NM_001182.5 (MANE Select); coding-DNA position 316, C replaced by A.
Protein change: p.Pro106Thr; replaces proline 106 with threonine.
Molecular consequence: missense variant.
Genome position (GRCh38, 1-based): chr5:126,584,009, G>T on the plus strand (C>A on the coding strand, the complement: ALDH7A1 is on the minus strand). VCF-style: chr5-126584009-G-T. GRCh37 (hg19) VCF-style: chr5-125919701-G-T.
Other names: c.232C>A, p.Pro78Thr (NM_001201377.2); c.316C>A, p.Pro106Thr (NM_001202404.2); short protein forms P78T, P106T.
Identifiers: ClinVar variation 2816828 (VCV002816828.3), dbSNP rs2480341739, ClinGen allele CA360732136.
Genomic context (GRCh38, chr5:126,584,009, plus strand): 5'-GGATCTTCTCCCGCAAGGCATCGCCAATCTGTCTTACTATTTCTCCTCGTTTTGGAGCAG[G>T]AATCTAAGAAAAGAATGCAATTTTTGTGTCTGATTCAAAGCATAAATTCATGTTTATAAC-3'
Protein context (NP_001173.2, residues 96-116): REAWKIWADI[Pro106Thr]APKRGEIVRQ

ClinVar aggregate classification (germline): Likely pathogenic (1 of 4 stars; one submission).

Conditions:
Pyridoxine-dependent epilepsy (EPEO4). Also called: Pyridoxine-Dependent Seizures; PYRIDOXINE DEPENDENCY WITH SEIZURES; EPILEPSY, EARLY-ONSET, 4, VITAMIN B6-DEPENDENT; Pyridoxine-Dependent Epilepsy - ALDH7A1. Identifiers: Orphanet 3006, MedGen C1849508, MONDO:0009945, OMIM 266100. Disease mechanism: loss of function.

Submission:

Labcorp Genetics (formerly Invitae), Labcorp
Classification: Likely pathogenic for Pyridoxine-dependent epilepsy. Last evaluated: 2023-03-14. Review status: criteria provided, single submitter. Criteria: Invitae Variant Classification Sherloc (09022015). Collection method: clinical testing. Allele origin: germline.
Comment: In summary, the currently available evidence indicates that the variant is pathogenic, but additional data are needed to prove that conclusively. Therefore, this variant has been classified as Likely Pathogenic. This variant disrupts the p.Pro106 (also known as p.Pro78) amino acid residue in ALDH7A1. Other variant(s) that disrupt this residue have been determined to be pathogenic (PMID: 20554659). This suggests that this residue is clinically significant, and that variants that disrupt this residue are likely to be disease-causing. Advanced modeling of protein sequence and biophysical properties (such as structural, functional, and spatial information, amino acid conservation, physicochemical variation, residue mobility, and thermodynamic stability) performed at Invitae indicates that this missense variant is expected to disrupt ALDH7A1 protein function. This variant has not been reported in the literature in individuals affected with ALDH7A1-related conditions. This variant is not present in population databases (gnomAD no frequency). This sequence change replaces proline, which is neutral and non-polar, with threonine, which is neutral and polar, at codon 106 of the ALDH7A1 protein (p.Pro106Thr).

Literature cited by the submitters: PubMed 20554659.